The following is an entry in ClinVar:

ClinVar aggregate classification (germline): Uncertain significance (0 of 4 stars; one submission).

Conditions:
CACNA1I-related disorder. Also called: CACNA1I-related condition.

Submission:

PreventionGenetics, part of Exact Sciences
Classification: Uncertain significance for CACNA1I-related condition. Last evaluated: 2023-12-19. Review status: no assertion criteria provided. Collection method: clinical testing. Allele origin: germline.
Comment: The CACNA1I c.4739A>G variant is predicted to result in the amino acid substitution p.Asn1580Ser. To our knowledge, this variant has not been reported in the literature or in a large population database, indicating this variant is rare. Although we suspect this variant may be pathogenic, at this time, the clinical significance of this variant is uncertain due to the absence of conclusive functional and genetic evidence.

NM_021096.4(CACNA1I):c.4739A>G (p.Asn1580Ser)

Gene: CACNA1I (calcium voltage-gated channel subunit alpha1 I; plus strand). Cytogenetic location: 22q13.1.
Variant type: single nucleotide variant.
Coding change: c.4739A>G on transcript NM_021096.4 (MANE Select); coding-DNA position 4739, A replaced by G.
Protein change: p.Asn1580Ser; replaces asparagine 1580 with serine.
Molecular consequence: missense variant.
Genome position (GRCh38, 1-based): chr22:39,673,038, A>G. VCF-style: chr22-39673038-A-G. GRCh37 (hg19) VCF-style: chr22-40069043-A-G.
Other names: c.4634A>G, p.Asn1545Ser (NM_001003406.2); short protein forms N1545S, N1580S.
Identifiers: ClinVar variation 3048231 (VCV003048231.2), dbSNP rs2518187729, ClinGen allele CA411629690.